The following is an entry in ClinVar:

NM_018979.4(WNK1):c.1769A>G (p.Lys590Arg)

Gene: WNK1 (WNK lysine deficient protein kinase 1; plus strand). Cytogenetic location: 12p13.33.
Variant type: single nucleotide variant.
Coding change: c.1769A>G on transcript NM_018979.4 (MANE Select); coding-DNA position 1769, A replaced by G.
Protein change: p.Lys590Arg; replaces lysine 590 with arginine.
Molecular consequence: missense variant.
Genome position (GRCh38, 1-based): chr12:861,161, A>G. VCF-style: chr12-861161-A-G. GRCh37 (hg19) VCF-style: chr12-970327-A-G.
Other names: c.1769A>G, p.Lys590Arg (NM_001184985.2, NM_014823.3, NM_213655.5); short protein forms K590R.
Identifiers: ClinVar variation 500502 (VCV000500502.16), dbSNP rs780986326, ClinGen allele CA6382027.
Genomic context (GRCh38, chr12:861,161, plus strand): 5'-AGCAGCGGCAGTTGGTACGGGAGGAGCAAGAAAAAAAAAAGCAGGAAGAGAGCAGTCTCA[A>G]ACAGCAGGTAGAACAATCCAGTGCTTCCCAGACAGGAATCAAGCAGCTCCCTTCTGCTAG-3'
Protein context (NP_061852.3, residues 580-600): EKKKQEESSL[Lys590Arg]QQVEQSSASQ

ClinVar aggregate classification (germline): Uncertain significance. Review status: criteria provided, multiple submitters, no conflicts (2 of 4 stars). 3 submissions from 3 submitters: Uncertain significance (3). Last evaluated 2025-12-04.

Conditions:
Neuropathy, hereditary sensory and autonomic, type 2A (HSAN2A). Also called: HSAN IIA; WNK1-Related HSAN2 (HSAN2A); MORVAN DISEASE; ACROOSTEOLYSIS, GIACCAI TYPE; ACROOSTEOLYSIS, NEUROGENIC; NEUROPATHY, CONGENITAL SENSORY. Identifiers: Orphanet 970, MedGen C2752089, MONDO:0024309, OMIM 201300.
Pseudohypoaldosteronism type 2C (PHA2C). Also called: Pseudohypoaldosteronism Type IIC. Identifiers: Orphanet 757, Orphanet 88940, MedGen C1840391, MONDO:0013778, OMIM 614492.

Allele frequency attached by ClinVar (database versions not stated): TOPMed below 0.00001; gnomAD exomes 0.00002 and 0.00004; ExAC 0.00007.
gnomAD v4.1: 23 of 1,614,050 alleles (0.0014%); highest among the groups gnomAD compares: South Asian, 0.0033%; no homozygotes.

Submissions (3):

Labcorp Genetics (formerly Invitae), Labcorp
Classification: Uncertain significance for Neuropathy, hereditary sensory and autonomic, type 2A; Pseudohypoaldosteronism type 2C. Last evaluated: 2025-12-04. Review status: criteria provided, single submitter. Criteria: Invitae Variant Classification Sherloc (09022015). Collection method: clinical testing. Allele origin: germline.
Comment: This sequence change replaces lysine, which is basic and polar, with arginine, which is basic and polar, at codon 590 of the WNK1 protein (p.Lys590Arg). This variant is present in population databases (rs780986326, gnomAD 0.01%). This variant has not been reported in the literature in individuals affected with WNK1-related conditions. ClinVar contains an entry for this variant (Variation ID: 500502). Invitae Evidence Modeling of protein sequence and biophysical properties (such as structural, functional, and spatial information, amino acid conservation, physicochemical variation, residue mobility, and thermodynamic stability) indicates that this missense variant is not expected to disrupt WNK1 protein function with a negative predictive value of 95%. In summary, the available evidence is currently insufficient to determine the role of this variant in disease. Therefore, it has been classified as a Variant of Uncertain Significance.

Fulgent Genetics
Classification: Uncertain significance for Neuropathy, hereditary sensory and autonomic, type 2A; Pseudohypoaldosteronism type 2C. Last evaluated: 2024-05-13. Review status: criteria provided, single submitter. Criteria: ACMG Guidelines, 2015. Collection method: clinical testing. Allele origin: germline.

Eurofins Ntd Llc (ga)
Classification: Uncertain significance. Last evaluated: 2017-03-02. Review status: criteria provided, single submitter. Criteria: EGL Classification Definitions 2015. Collection method: clinical testing. Allele origin: germline. Observed: 1 variant allele, 1 heterozygote.